The following is an entry in ClinVar:

NM_001130009.3(GEN1):c.2248G>A (p.Val750Ile)

Gene: GEN1 (GEN1 Holliday junction 5' flap endonuclease; plus strand). Cytogenetic location: 2p24.2.
Variant type: single nucleotide variant.
Coding change: c.2248G>A on transcript NM_001130009.3 (MANE Select); coding-DNA position 2248, G replaced by A.
Protein change: p.Val750Ile; replaces valine 750 with isoleucine.
Molecular consequence: missense variant.
Genome position (GRCh38, 1-based): chr2:17,781,460, G>A. VCF-style: chr2-17781460-G-A. GRCh37 (hg19) VCF-style: chr2-17962727-G-A.
Other names: c.2248G>A, p.Val750Ile (NM_182625.5); short protein forms V750I.
Identifiers: ClinVar variation 4262980 (VCV004262980.1).

ClinVar aggregate classification (germline): Uncertain significance (1 of 4 stars; one submission).

Submission:

Ambry Genetics
Classification: Uncertain significance. Last evaluated: 2025-06-17. Review status: criteria provided, single submitter. Criteria: Ambry Variant Classification Scheme 2023. Collection method: clinical testing. Allele origin: germline.
Comment: The p.V750I variant (also known as c.2248G>A), located in coding exon 13 of the GEN1 gene, results from a G to A substitution at nucleotide position 2248. The valine at codon 750 is replaced by isoleucine, an amino acid with highly similar properties. This amino acid position is conserved. In addition, this alteration is predicted to be tolerated by in silico analysis. Based on the available evidence, the clinical significance of this variant remains unclear.